The following is an entry in ClinVar:

ClinVar aggregate classification (germline): Uncertain significance (1 of 4 stars; one submission).

Conditions:
Hereditary pancreatitis (PCTT). Also called: Hereditary chronic pancreatitis; PRSS1-Related Hereditary Pancreatitis. Identifiers: Orphanet 676, MedGen C0238339, MONDO:0008185, OMIM 167800.

Submission:

Ambry Genetics
Classification: Uncertain significance for Hereditary pancreatitis. Last evaluated: 2022-01-04. Review status: criteria provided, single submitter. Criteria: Ambry Variant Classification Scheme 2023. Collection method: clinical testing. Allele origin: germline.
Comment: The p.D130V variant (also known as c.389A>T), located in coding exon 4 of the CPA1 gene, results from an A to T substitution at nucleotide position 389. The aspartic acid at codon 130 is replaced by valine, an amino acid with highly dissimilar properties. This amino acid position is conserved. In addition, this alteration is predicted to be tolerated by in silico analysis. Since supporting evidence is limited at this time, the clinical significance of this alteration remains unclear.

NM_001868.4(CPA1):c.389A>T (p.Asp130Val)

Gene: CPA1 (carboxypeptidase A1; plus strand). Cytogenetic location: 7q32.2.
Variant type: single nucleotide variant.
Coding change: c.389A>T on transcript NM_001868.4 (MANE Select); coding-DNA position 389, A replaced by T.
Protein change: p.Asp130Val; replaces aspartic acid 130 with valine.
Molecular consequence: missense variant.
Genome position (GRCh38, 1-based): chr7:130,382,115, A>T. VCF-style: chr7-130382115-A-T. GRCh37 (hg19) VCF-style: chr7-130021956-A-T.
Other names: short protein forms D130V.
Identifiers: ClinVar variation 1735974 (VCV001735974.2), dbSNP rs782428216, ClinGen allele CA369280702.
Genomic context (GRCh38, chr7:130,382,115, plus strand): 5'-ATCTGGGTGCCCAGAAGCTATTAAGGCCAGTGGTCTCTTCTTTCACACCTCAGATCTATG[A>T]CTTCCTGGACCTGCTGGTGGCGGAGAACCCGCACCTTGTCAGCAAGATCCAGATTGGCAA-3'
Protein context (NP_001859.1, residues 120-140): ATYHTLEEIY[Asp130Val]FLDLLVAENP